The following is an entry in ClinVar:

ClinVar aggregate classification (germline): Uncertain significance (1 of 4 stars; one submission).

Submission:

Labcorp Genetics (formerly Invitae), Labcorp
Classification: Uncertain significance. Last evaluated: 2025-07-14. Review status: criteria provided, single submitter. Criteria: Invitae Variant Classification Sherloc (09022015). Collection method: clinical testing. Allele origin: germline.
Comment: This sequence change creates a premature translational stop signal (p.Trp763*) in the A2ML1 gene. It is expected to result in an absent or disrupted protein product. However, the current clinical and genetic evidence is not sufficient to establish whether loss-of-function variants in A2ML1 cause disease. This variant is not present in population databases (gnomAD no frequency). This variant has not been reported in the literature in individuals affected with A2ML1-related conditions. In summary, the available evidence is currently insufficient to determine the role of this variant in disease. Therefore, it has been classified as a Variant of Uncertain Significance.

NM_144670.6(A2ML1):c.2289G>A (p.Trp763Ter)

Gene: A2ML1 (alpha-2-macroglobulin like 1; plus strand). Cytogenetic location: 12p13.31.
Variant type: single nucleotide variant.
Coding change: c.2289G>A on transcript NM_144670.6 (MANE Select); coding-DNA position 2289, G replaced by A.
Protein change: p.Trp763Ter; replaces tryptophan 763 with a stop codon.
Molecular consequence: nonsense.
Genome position (GRCh38, 1-based): chr12:8,851,838, G>A. VCF-style: chr12-8851838-G-A. GRCh37 (hg19) VCF-style: chr12-9004434-G-A.
Other names: c.816G>A, p.Trp272Ter (NM_001282424.3); short protein forms W763*, W272*.
Identifiers: ClinVar variation 4752377 (VCV004752377.1).